The following is an entry in ClinVar:

ClinVar aggregate classification (germline): Uncertain significance (1 of 4 stars; one submission).

Allele frequency attached by ClinVar (database versions not stated): gnomAD exomes below 0.00001.
gnomAD v4.1: 5 of 1,613,848 alleles (0.00031%); highest among the groups gnomAD compares: Non-Finnish European, 0.00042%; no homozygotes.

Submission:

Labcorp Genetics (formerly Invitae), Labcorp
Classification: Uncertain significance. Last evaluated: 2021-04-16. Review status: criteria provided, single submitter. Criteria: Invitae Variant Classification Sherloc (09022015). Collection method: clinical testing. Allele origin: germline.
Comment: This sequence change replaces alanine with glutamic acid at codon 692 of the ATP8A2 protein (p.Ala692Glu). The alanine residue is moderately conserved and there is a moderate physicochemical difference between alanine and glutamic acid. In summary, the available evidence is currently insufficient to determine the role of this variant in disease. Therefore, it has been classified as a Variant of Uncertain Significance. Algorithms developed to predict the effect of missense changes on protein structure and function (SIFT, PolyPhen-2, Align-GVGD) all suggest that this variant is likely to be tolerated, but these predictions have not been confirmed by published functional studies and their clinical significance is uncertain. This variant has not been reported in the literature in individuals with ATP8A2-related conditions. This variant is not present in population databases (ExAC no frequency).

NM_016529.6(ATP8A2):c.2075C>A (p.Ala692Glu)

Gene: ATP8A2 (ATPase phospholipid transporting 8A2). Cytogenetic location: 13q12.13.
Variant type: single nucleotide variant.
Coding change: c.2075C>A on transcript NM_016529.6 (MANE Select); coding-DNA position 2075, C replaced by A.
Protein change: p.Ala692Glu; replaces alanine 692 with glutamic acid.
Molecular consequence: missense variant.
Genome position (GRCh38, 1-based): chr13:25,581,886, C>A. VCF-style: chr13-25581886-C-A. GRCh37 (hg19) VCF-style: chr13-26156024-C-A.
Other names: c.1955C>A, p.Ala652Glu (NM_001313741.1); short protein forms A652E, A692E.
Identifiers: ClinVar variation 1388310 (VCV001388310.8), dbSNP rs1240852879, ClinGen allele CA387615569.